The following is an entry in ClinVar:

NM_000152.5(GAA):c.2242dup (p.Glu748fs)

Gene: GAA (alpha glucosidase; plus strand). Cytogenetic location: 17q25.3.
Variant type: Duplication.
Coding change: c.2242dup on transcript NM_000152.5 (MANE Select); coding-DNA position 2242, one base duplicated (G; older notation c.2242dupG).
Protein change: p.Glu748fs; shifts the reading frame from glutamic acid 748.
Molecular consequence: frameshift variant.
Genome position (GRCh38, 1-based): chr17:80,117,020, G duplicated; the last of 6 consecutive G bases (chr17:80,117,015-80,117,020); duplicating any one gives the same sequence. VCF-style (leftmost placement, unchanged base first): chr17-80117014-T-TG. GRCh37 (hg19) VCF-style: chr17-78090813-T-TG.
Other names: c.2242dup, p.Glu748fs (NM_001079803.3, NM_001079804.3); c.2242dupG (NM_000152.5, NM_000152.4, NM_000152.3); c.2242dup (LRG_673t1); short protein forms E748fs.
Identifiers: ClinVar variation 370651 (VCV000370651.37), dbSNP rs777275355, ClinGen allele CA8815662.
Genomic context (GRCh38, chr17:80,117,014, plus strand): 5'-CATCCCCCTTGCAGGTTCCCCAAGGACTCTAGCACCTGGACTGTGGACCACCAGCTCCTG[T>TG]GGGGGGAGGCCCTGCTCATCACCCCAGTGCTCCAGGCCGGGAAGGCCGAAGTGACTGGCT-3'

ClinVar aggregate classification (germline): Pathogenic. Review status: reviewed by expert panel (3 of 4 stars). 13 submissions from 13 submitters: Pathogenic (1). 12 of the submissions do not count toward it. Last evaluated 2020-05-04.

Conditions:
Glycogen storage disease, type II (IOPD). Also called: CARDIOMEGALIA GLYCOGENICA DIFFUSA; POMPE DISEASE, INFANTILE-ONSET; GLYCOGEN STORAGE DISEASE II, INFANTILE-ONSET; ACID ALPHA-GLUCOSIDASE DEFICIENCY, INFANTILE-ONSET; GAA DEFICIENCY, INFANTILE-ONSET; ACID MALTASE DEFICIENCY, INFANTILE-ONSET. Identifiers: Orphanet 365, MedGen C0017921, MONDO:0009290, OMIM 232300.
GAA-related disorders.

Submissions 1 to 9 of 13:

ClinGen Lysosomal Storage Disorder Variant Curation Expert Panel
Classification: Pathogenic for Glycogen storage disease, type II. Last evaluated: 2020-05-04. Review status: reviewed by expert panel. Criteria: ClinGen LSD ACMG Specifications v1. Collection method: curation. Allele origin: germline. Inheritance: Autosomal recessive inheritance.
Comment: This variant, c.2242dup (p.Glu748Glyfs), is a frameshift variant predicted to cause a premature termination codon, nonsense mediated decay, and lack of gene product, meeting PVS1. The highest population minor allele frequency in gnomAD is 0.00001767 in the European, non-Finnish, population, meeting PM2. This variant has been reported in at least 2 individuals with Pompe disease and deficient GAA activity meeting the ClinGen LSD VCEP's PP4 specifications (PMIDs 9535769, 21484825). Both of these individuals are compound heterozygous for the variant and a unique variant, phase unknown; either c.1933G>A (p.Asp645Asn) (PMID 9535769) or c.1195-8G>A (PMID 21484825). In both cases, the in trans data from these patients will be used in the assessment of the second variant and was not included here in order to avoid a circular argument. There is a ClinVar entry for this variant (Variation ID 370651; 2 star review status) with three submitters classifying the variant and pathogenic, and one as likely pathogenic. In summary, this variant meets the criteria to be classified as pathogenic for Pompe Disease. GAA-specific ACMG/AMP criteria applied, as specified by the ClinGen LSD VCEP: PVS1, PM2, PP4.

Genomenon, Inc
Classification: Pathogenic for Glycogen storage disease, type II. Last evaluated: 2026-07-01. Review status: criteria provided, single submitter. Criteria: Genomenon Sequence Variant Interpretation Standards - Updated. Collection method: curation. Allele origin: germline. Affected: yes. Not counted in ClinVar's aggregate classification.
Comment: GAA p.Glu748GlyfsTer48 (c.2242dup) is a frameshift variant that is predicted to introduce a premature termination codon and result in a truncated or absent protein product. This variant has been observed in at least one proband with a GAA-related disorder (PMID:21484825;26873529;29382405;37087815;34501319;31710733;33073003;39273088;9535769). It is absent or not present at a significant frequency in gnomAD. In conclusion, we classify GAA p.Glu748GlyfsTer48 (c.2242dup) as a pathogenic variant.

Myriad Genetics, Inc.
Classification: Pathogenic for Glycogen storage disease, type II. Last evaluated: 2025-12-01. Review status: criteria provided, single submitter. Criteria: Myriad Autosomal Dominant, Autosomal Recessive and X-Linked Classification Criteria (2023). Collection method: clinical testing. Allele origin: unknown. Not counted in ClinVar's aggregate classification.
Comment: NM_000152.3(GAA):c.2242dupG(E748Gfs*48) is a frameshift variant classified as pathogenic in the context of Pompe disease. E748Gfs*48 has been observed in cases with relevant disease (PMID: 9535769, 21484825). Relevant functional assessments of this variant are not available in the literature. E748Gfs*48 has been observed in referenced population frequency databases. In summary, NM_000152.3(GAA):c.2242dupG(E748Gfs*48) is a frameshift variant in a gene where loss of function is a known mechanism of disease, is predicted to disrupt protein function, and has been observed more frequently in cases with the relevant disease than in healthy populations. Please note: this variant was assessed in the context of healthy population screening.

Natera, Inc.
Classification: Pathogenic for Glycogen storage disease type II. Last evaluated: 2025-11-13. Review status: criteria provided, single submitter. Criteria: Natera Variant Classification Schema (03/2026). Collection method: clinical testing. Allele origin: germline. Not counted in ClinVar's aggregate classification.
Comment: The c.2242dupG variant in GAA is a frameshift variant predicted to shift the reading frame beginning at codon 748 and leads to a stop codon 48 codons downstream. This variant is expected to result in nonsense mediated decay, truncation, or a dysfunctional protein product. This variant is rare in the general population with a frequency below the threshold expected for the associated phenotype(s). This variant has been observed in one or more individuals affected with the associated recessive disease, as either homozygous or compound heterozygous with a second variant (PMID: 16917947). Given the available evidence, this variant is classified as Pathogenic.

Labcorp Genetics (formerly Invitae), Labcorp
Classification: Pathogenic for Glycogen storage disease, type II. Last evaluated: 2025-11-03. Review status: criteria provided, single submitter. Criteria: Invitae Variant Classification Sherloc (09022015). Collection method: clinical testing. Allele origin: germline. Not counted in ClinVar's aggregate classification.
Comment: This sequence change creates a premature translational stop signal (p.Glu748Glyfs*48) in the GAA gene. It is expected to result in an absent or disrupted protein product. Loss-of-function variants in GAA are known to be pathogenic (PMID: 18425781, 22252923). This variant is present in population databases (rs777275355, gnomAD 0.002%). This premature translational stop signal has been observed in individuals with glycogen storage disease type II (PMID: 9535769, 16917947, 21484825, 29122469). This variant is also known as insGnt2243 and insG2242. ClinVar contains an entry for this variant (Variation ID: 370651). For these reasons, this variant has been classified as Pathogenic.

Revvity Omics, Revvity
Classification: Pathogenic. Last evaluated: 2025-07-21. Review status: criteria provided, single submitter. Criteria: ACMG Guidelines, 2015. Collection method: clinical testing. Allele origin: germline. Not counted in ClinVar's aggregate classification.

Genetic Services Laboratory, University of Chicago
Classification: Pathogenic. Last evaluated: 2024-10-29. Review status: criteria provided, single submitter. Criteria: ACMG Guidelines, 2015. Collection method: clinical testing. Allele origin: germline. Affected: yes. Not counted in ClinVar's aggregate classification.
Comment: This is a single base pair duplication in exon 16, c.2242dup. This sequence change results in an amino acid frameshift and creates a premature stop codon 47 amino acids downstream of the change, p.Glu748Glyfs*48. This sequence change is predicted to result in an abnormal transcript, which may be degraded, or may lead to the production of a truncated GAA protein with potentially abnormal function. This sequence change has been described in the gnomAD database with a frequency of 0.005% in the European subpopulation (dbSNP rs777275355). This sequence change has previously been described in individuals with glycogen storage disease type II (PMID: 9535769, 16917947, 21484825, 29122469, 10206684, 36046397, 31254424). Collectively, this evidence indicates that this sequence change is pathogenic.

GeneDx
Classification: Pathogenic. Last evaluated: 2024-07-24. Review status: criteria provided, single submitter. Criteria: GeneDx Variant Classification Process June 2021. Collection method: clinical testing. Allele origin: germline. Affected: yes. Not counted in ClinVar's aggregate classification.
Comment: Reported in multiple patients with GSDII in published literature, including at least one patient who had biochemical testing that was diagnostic and consistent with the results seen in other patients with pathogenic variants in this gene (PMID: 10206684, 16917947, 21484825); Not observed at significant frequency in large population cohorts (gnomAD); Frameshift variant predicted to result in protein truncation or nonsense mediated decay in a gene for which loss-of-function is a known mechanism of disease; This variant is associated with the following publications: (PMID: 17915575, 29122469, 26873529, 31254424, 34501319, 10206684, 16917947, 22644586, 9535769, 36046397, 21484825)

Women's Health and Genetics/Laboratory Corporation of America, LabCorp
Classification: Pathogenic for Glycogen storage disease, type II. Last evaluated: 2021-12-27. Review status: criteria provided, single submitter. Criteria: LabCorp Variant Classification Summary - May 2015. Collection method: clinical testing. Allele origin: germline. Not counted in ClinVar's aggregate classification.
Comment: Variant summary: GAA c.2242dupG (p.Glu748GlyfsX48) results in a premature termination codon, predicted to cause a truncation of the encoded protein or absence of the protein due to nonsense mediated decay, which are commonly known mechanisms for disease. Truncations downstream of this position have been classified as pathogenic by our laboratory (c.2501_2502delCA|p.Thr834ArgfsX49; c.2544delC|p.Lys849ArgfsX38). The variant allele was found at a frequency of 8e-06 in 250780 control chromosomes. c.2242dupG has been reported in the literature in multiple individuals affected with both infantile (example: Beesley_1998, Huie_1998) and late/adult (example: Montalvo_2006, Stepien_2016) onset forms of Glycogen Storage Disease, Type 2 (Pompe Disease). These data indicate that the variant is very likely to be associated with disease. At least one publication reports experimental evidence evaluating an impact on protein function: fibroblasts cultured from a patient with the variant of interest alongside a null variant showed <0.1% normal enzymatic activity (Huie_1998). Eight ClinVar submitters, including one expert panel (ClinGen Lysosomal Storage Disorder Variant Curation Expert Panel) have assessed the variant since 2014: seven have classified the variant as pathogenic and one as likely pathogenic. Based on the evidence outlined above, the variant was classified as pathogenic.